The following is an entry in ClinVar:

ClinVar aggregate classification (germline): Uncertain significance (1 of 4 stars; one submission).

Allele frequency attached by ClinVar (database versions not stated): gnomAD exomes below 0.00001.

Submission:

CeGaT Center for Human Genetics Tuebingen
Classification: Uncertain significance. Last evaluated: 2023-07-01. Review status: criteria provided, single submitter. Criteria: CeGaT Center For Human Genetics Tuebingen Variant Classification Criteria Version 2. Collection method: clinical testing. Allele origin: germline. Affected: yes. Observed: 1 variant allele.
Comment: ZNF335: PM2, PM3:Supporting

NM_022095.4(ZNF335):c.2381C>T (p.Thr794Ile)

Gene: ZNF335 (zinc finger protein 335; minus strand). Cytogenetic location: 20q13.12.
Variant type: single nucleotide variant.
Coding change: c.2381C>T on transcript NM_022095.4 (MANE Select); coding-DNA position 2381, C replaced by T.
Protein change: p.Thr794Ile; replaces threonine 794 with isoleucine.
Molecular consequence: missense variant.
Genome position (GRCh38, 1-based): chr20:45,957,647, G>A on the plus strand (C>T on the coding strand, the complement: ZNF335 is on the minus strand). VCF-style: chr20-45957647-G-A. GRCh37 (hg19) VCF-style: chr20-44586286-G-A.
Other names: short protein forms T794I.
Identifiers: ClinVar variation 2578910 (VCV002578910.25), dbSNP rs2515545583, ClinGen allele CA409241936.